The following is an entry in ClinVar:

NM_032043.3(BRIP1):c.2154G>A (p.Glu718=)

Gene: BRIP1 (BRCA1 interacting DNA helicase 1; minus strand). Cytogenetic location: 17q23.2.
Variant type: single nucleotide variant.
Coding change: c.2154G>A on transcript NM_032043.3 (MANE Select); coding-DNA position 2154, G replaced by A.
Protein change: p.Glu718=; no amino-acid change (glutamic acid 718 retained).
Molecular consequence: synonymous variant.
Genome position (GRCh38, 1-based): chr17:61,744,535, C>T on the plus strand (G>A on the coding strand, the complement: BRIP1 is on the minus strand). VCF-style: chr17-61744535-C-T. GRCh37 (hg19) VCF-style: chr17-59821896-C-T.
Identifiers: ClinVar variation 391127 (VCV000391127.20), dbSNP rs1057523978, ClinGen allele CA16608570.

ClinVar aggregate classification (germline): Benign/Likely benign. Review status: criteria provided, multiple submitters, no conflicts (2 of 4 stars). 7 submissions from 7 submitters: Benign (1); Likely benign (5). 1 of the submissions does not count toward it. Last evaluated 2025-11-09.

Conditions:
BRIP1-related disorder. Also called: BRIP1-related condition; BRIP1-related disorders. Identifiers: MedGen CN239206.
Familial cancer of breast. Also called: BREAST CANCER, FAMILIAL; hereditary breast carcinoma; Hereditary breast cancer. Identifiers: Orphanet 227535, MedGen C0346153, MONDO:0016419, OMIM 114480. Disease mechanism: loss of function.
Fanconi anemia complementation group J. Also called: BRIP1-Related Fanconi Anemia. Identifiers: Orphanet 84, MedGen C1836860, MONDO:0012187, OMIM 609054.
Hereditary cancer-predisposing syndrome. Also called: Neoplastic Syndromes, Hereditary; Hereditary neoplastic syndrome; Tumor predisposition; Hereditary Cancer Syndrome. Identifiers: Orphanet 140162, MedGen C0027672, MeSH D009386, MONDO:0015356.

Submissions (7):

Labcorp Genetics (formerly Invitae), Labcorp
Classification: Likely benign for Familial cancer of breast; Fanconi anemia complementation group J. Last evaluated: 2025-11-09. Review status: criteria provided, single submitter. Criteria: Invitae Variant Classification Sherloc (09022015). Collection method: clinical testing. Allele origin: germline.

Myriad Genetics, Inc.
Classification: Benign for Familial cancer of breast. Last evaluated: 2024-09-03. Review status: criteria provided, single submitter. Criteria: Myriad Autosomal Dominant, Autosomal Recessive and X-Linked Classification Criteria (2023). Collection method: clinical testing. Allele origin: unknown.
Comment: This variant is considered benign. This variant is a silent/synonymous amino acid change and it is not expected to impact splicing.

Quest Diagnostics Nichols Institute San Juan Capistrano
Classification: Likely benign. Last evaluated: 2018-01-05. Review status: criteria provided, single submitter. Criteria: Quest Diagnostics criteria. Collection method: clinical testing. Allele origin: germline.

GeneDx
Classification: Likely benign. Last evaluated: 2016-11-21. Review status: criteria provided, single submitter. Criteria: GeneDx Variant Classification (06012015). Collection method: clinical testing. Allele origin: germline. Affected: yes.
Comment: This variant is considered likely benign or benign based on one or more of the following criteria: it is a conservative change, it occurs at a poorly conserved position in the protein, it is predicted to be benign by multiple in silico algorithms, and/or has population frequency not consistent with disease.

Color Diagnostics, LLC DBA Color Health
Classification: Likely benign for Hereditary cancer-predisposing syndrome. Last evaluated: 2016-06-30. Review status: criteria provided, single submitter. Criteria: ACMG Guidelines, 2015. Collection method: clinical testing. Allele origin: germline.

Ambry Genetics
Classification: Likely benign for Hereditary cancer-predisposing syndrome. Last evaluated: 2016-06-16. Review status: criteria provided, single submitter. Criteria: Ambry Variant Classification Scheme 2023. Collection method: clinical testing. Allele origin: germline.

PreventionGenetics, part of Exact Sciences
Classification: Likely benign for BRIP1-related condition. Last evaluated: 2024-05-15. Review status: no assertion criteria provided. Collection method: clinical testing. Allele origin: germline. Not counted in ClinVar's aggregate classification.
Comment: This variant is classified as likely benign based on ACMG/AMP sequence variant interpretation guidelines (Richards et al. 2015 PMID: 25741868, with internal and published modifications).